The following is an entry in ClinVar:

NM_032119.4(ADGRV1):c.7479T>G (p.Phe2493Leu)

Gene: ADGRV1 (adhesion G protein-coupled receptor V1; plus strand). Cytogenetic location: 5q14.3.
Variant type: single nucleotide variant.
Coding change: c.7479T>G on transcript NM_032119.4 (MANE Select); coding-DNA position 7479, T replaced by G.
Protein change: p.Phe2493Leu; replaces phenylalanine 2493 with leucine.
Molecular consequence: missense variant. On other transcripts: non-coding transcript variant (1).
Genome position (GRCh38, 1-based): chr5:90,694,235, T>G. VCF-style: chr5-90694235-T-G. GRCh37 (hg19) VCF-style: chr5-89990052-T-G.
Other names: short protein forms F2493L.
Identifiers: ClinVar variation 1948882 (VCV001948882.4), dbSNP rs767730923, ClinGen allele CA3340041.

ClinVar aggregate classification (germline): Uncertain significance (1 of 4 stars; one submission).

gnomAD v4.1: 6 of 1,613,936 alleles (0.00037%); highest among the groups gnomAD compares: Non-Finnish European, 0.00051%; no homozygotes.

Submission:

Labcorp Genetics (formerly Invitae), Labcorp
Classification: Uncertain significance. Last evaluated: 2024-10-25. Review status: criteria provided, single submitter. Criteria: Invitae Variant Classification Sherloc (09022015). Collection method: clinical testing. Allele origin: germline.
Comment: This sequence change replaces phenylalanine, which is neutral and non-polar, with leucine, which is neutral and non-polar, at codon 2493 of the ADGRV1 protein (p.Phe2493Leu). This variant is present in population databases (rs767730923, gnomAD 0.0009%). This variant has not been reported in the literature in individuals affected with ADGRV1-related conditions. ClinVar contains an entry for this variant (Variation ID: 1948882). Invitae Evidence Modeling of protein sequence and biophysical properties (such as structural, functional, and spatial information, amino acid conservation, physicochemical variation, residue mobility, and thermodynamic stability) indicates that this missense variant is not expected to disrupt ADGRV1 protein function with a negative predictive value of 95%. In summary, the available evidence is currently insufficient to determine the role of this variant in disease. Therefore, it has been classified as a Variant of Uncertain Significance.